The following is an entry in ClinVar:

NM_000329.3(RPE65):c.859-2A>C

Gene: RPE65 (retinoid isomerohydrolase RPE65; minus strand). Cytogenetic location: 1p31.3.
Variant type: single nucleotide variant.
Coding change: c.859-2A>C on transcript NM_000329.3 (MANE Select); the canonical splice acceptor site of the intron before coding-DNA position 859, A replaced by C.
Molecular consequence: splice acceptor variant.
Genome position (GRCh38, 1-based): chr1:68,439,083, T>G on the plus strand (A>C on the coding strand, the complement: RPE65 is on the minus strand). VCF-style: chr1-68439083-T-G. GRCh37 (hg19) VCF-style: chr1-68904766-T-G.
Other names: c.583-2A>C (NM_001406857.1, NM_001406856.1); c.751-2A>C (NM_001406853.1); c.859-2A>C (NM_001406859.1).
Identifiers: ClinVar variation 2951350 (VCV002951350.3), dbSNP rs980844308, ClinGen allele CA340745298.

ClinVar aggregate classification (germline): Likely pathogenic (1 of 4 stars; one submission).

Conditions:
Leber congenital amaurosis 2 (LCA2). Also called: AMAUROSIS CONGENITA OF LEBER II; Autosomal Recessive RPE65-Related Retinal Degeneration. Identifiers: Orphanet 65, MedGen C1859844, MONDO:0008765, OMIM 204100. Disease mechanism: loss of function.
Retinitis pigmentosa 20 (RP20). Identifiers: Orphanet 791, MedGen C3151086, MONDO:0013425, OMIM 613794.

Submission:

Labcorp Genetics (formerly Invitae), Labcorp
Classification: Likely pathogenic for Leber congenital amaurosis 2; Retinitis pigmentosa 20. Last evaluated: 2023-10-14. Review status: criteria provided, single submitter. Criteria: Invitae Variant Classification Sherloc (09022015). Collection method: clinical testing. Allele origin: germline.
Comment: This sequence change affects an acceptor splice site in intron 8 of the RPE65 gene. It is expected to disrupt RNA splicing. Variants that disrupt the donor or acceptor splice site typically lead to a loss of protein function (PMID: 16199547), and loss-of-function variants in RPE65 are known to be pathogenic (PMID: 9326941, 9501220, 9843205, 18632300). This variant is not present in population databases (gnomAD no frequency). This variant has not been reported in the literature in individuals affected with RPE65-related conditions. Algorithms developed to predict the effect of sequence changes on RNA splicing suggest that this variant may disrupt the consensus splice site. In summary, the currently available evidence indicates that the variant is pathogenic, but additional data are needed to prove that conclusively. Therefore, this variant has been classified as Likely Pathogenic.

Literature cited by the submitters: PubMed 16199547; PubMed 9326941; PubMed 9501220; PubMed 9843205; PubMed 18632300.